The following is an entry in ClinVar:

NM_001165963.4(SCN1A):c.4003del

Genes: SCN1A (sodium voltage-gated channel alpha subunit 1; minus strand), LOC102724058 (uncharacterized LOC102724058; plus strand). Cytogenetic location: 2q24.3.
Variant type: Deletion.
Coding change: c.4003del on transcript NM_001165963.4 (MANE Select); coding-DNA position 4003, one base deleted (G; older notation c.4003delG).
Molecular consequence: splice acceptor variant.
Genome position (GRCh38, 1-based): chr2:166,002,753, C deleted on the plus strand (G on the coding strand, the reverse complement: SCN1A is on the minus strand); the first of 2 consecutive C bases (chr2:166,002,753-166,002,754); deleting either gives the same sequence. VCF-style (leftmost placement, unchanged base first): chr2-166002752-AC-A. GRCh37 (hg19) VCF-style: chr2-166859262-AC-A.
Identifiers: ClinVar variation 4855374 (VCV004855374.1).
Genomic context (GRCh38, chr2:166,002,752, plus strand): 5'-AGACAAACCAGAAGCACATTCATGATGGATGGAATTGCTCCTAAAAGGGCATTCACAACC[AC>A]CTAATACACAAATGGAAAAAAAGAAAAGTCAGAATTCTTATCTGTTAATAAAGAAAAAAA-3'

ClinVar aggregate classification (germline): Likely pathogenic (1 of 4 stars; one submission).

Conditions:
Severe myoclonic epilepsy in infancy (DRVT). Also called: SEVERE MYOCLONIC EPILEPSY OF INFANCY; Dravet syndrome; Epileptic encephalopathy, early infantile, 6 (Dravet syndrome); DEVELOPMENTAL AND EPILEPTIC ENCEPHALOPATHY 6A; Severe Myoclonic Epilepsy in Infancy (SMEI). Identifiers: Orphanet 33069, MedGen C0751122, MONDO:0100135, OMIM 607208.

Submission:

3billion
Classification: Likely pathogenic for Severe myoclonic epilepsy in infancy. Last evaluated: 2025-07-07. Review status: criteria provided, single submitter. Criteria: ACMG Guidelines, 2015. Collection method: clinical testing. Allele origin: germline. Affected: yes.
Comment: The variant is not observed in the gnomAD v4.1.0 dataset. Predicted Consequence/Location: Frameshift: predicted to result in a loss or disruption of normal protein function through nonsense-mediated decay (NMD) or protein truncation. Multiple pathogenic variants are reported downstream of the variant. Therefore, this variant is classified as Likely pathogenic according to the recommendation of ACMG/AMP guideline.